The following is an entry in ClinVar:

NM_003024.3(ITSN1):c.3779C>T (p.Thr1260Ile)

Gene: ITSN1 (intersectin 1; plus strand). Cytogenetic location: 21q22.11.
Variant type: single nucleotide variant.
Coding change: c.3779C>T on transcript NM_003024.3 (MANE Select); coding-DNA position 3779, C replaced by T.
Protein change: p.Thr1260Ile; replaces threonine 1260 with isoleucine.
Molecular consequence: missense variant.
Genome position (GRCh38, 1-based): chr21:33,856,853, C>T. VCF-style: chr21-33856853-C-T. GRCh37 (hg19) VCF-style: chr21-35229157-C-T.
Other names: c.3764C>T, p.Thr1255Ile (NM_001331010.2); short protein forms T1255I, T1260I.
Identifiers: ClinVar variation 2631232 (VCV002631232.1), dbSNP rs2518494055, ClinGen allele CA410139420.

ClinVar aggregate classification (germline): Uncertain significance (1 of 4 stars; one submission).

Conditions:
ITSN1-related disorder. Also called: ITSN1-related condition.

Submission:

PreventionGenetics, part of Exact Sciences
Classification: Uncertain significance for ITSN1-related condition. Last evaluated: 2023-07-27. Review status: criteria provided, single submitter. Criteria: ACMG Guidelines, 2015. Collection method: clinical testing. Allele origin: germline.
Comment: The ITSN1 c.3779C>T variant is predicted to result in the amino acid substitution p.Thr1260Ile. To our knowledge, this variant has not been reported in the literature or in a large population database, indicating this variant is rare. At this time, the clinical significance of this variant is uncertain due to the absence of conclusive functional and genetic evidence.